The following is an entry in ClinVar:

NM_003105.6(SORL1):c.4369+5G>A

Gene: SORL1 (sortilin related receptor 1; plus strand). Cytogenetic location: 11q24.1.
Variant type: single nucleotide variant.
Coding change: c.4369+5G>A on transcript NM_003105.6 (MANE Select); 5 bases into the intron after coding-DNA position 4369, G replaced by A.
Molecular consequence: intron variant.
Genome position (GRCh38, 1-based): chr11:121,591,161, G>A. VCF-style: chr11-121591161-G-A. GRCh37 (hg19) VCF-style: chr11-121461870-G-A.
Identifiers: ClinVar variation 1470940 (VCV001470940.6), dbSNP rs1324193677, ClinGen allele CA602237474.

ClinVar aggregate classification (germline): Uncertain significance (1 of 4 stars; one submission).

Allele frequency attached by ClinVar (database versions not stated): gnomAD exomes below 0.00001; TOPMed below 0.00001; gnomAD 0.00001.
gnomAD v4.1: 2 of 1,614,006 alleles (0.00012%); highest among the groups gnomAD compares: African/African-American, 0.0013%; no homozygotes.

Submission:

Labcorp Genetics (formerly Invitae), Labcorp
Classification: Uncertain significance. Last evaluated: 2021-03-10. Review status: criteria provided, single submitter. Criteria: Invitae Variant Classification Sherloc (09022015). Collection method: clinical testing. Allele origin: germline.
Comment: In summary, the available evidence is currently insufficient to determine the role of this variant in disease. Therefore, it has been classified as a Variant of Uncertain Significance. Nucleotide substitutions within the consensus splice site are a relatively common cause of aberrant splicing (PMID: 17576681, 9536098). Algorithms developed to predict the effect of sequence changes on RNA splicing suggest that this variant may disrupt the consensus splice site, but this prediction has not been confirmed by published transcriptional studies. This variant has not been reported in the literature in individuals with SORL1-related conditions. This variant is not present in population databases (ExAC no frequency). This sequence change falls in intron 31 of the SORL1 gene. It does not directly change the encoded amino acid sequence of the SORL1 protein. It affects a nucleotide within the consensus splice site of the intron.

Literature cited by the submitters: PubMed 17576681; PubMed 9536098.